The following is an entry in ClinVar:

ClinVar aggregate classification (germline): Likely benign. Review status: criteria provided, single submitter (1 of 4 stars). 2 submissions from 2 submitters: Likely benign (1). 1 of the submissions does not count toward it. Last evaluated 2025-07-16.

Conditions:
PKD1-related disorder. Also called: PKD1-related condition.

Allele frequency attached by ClinVar (database versions not stated): 1000 Genomes Project 30x 0.00031; TOPMed 0.00007; gnomAD 0.00008; ExAC 0.00018; 1000 Genomes Project 0.00040; gnomAD exomes 0.00021.
gnomAD v4.1: 316 of 1,612,268 alleles (0.02%); highest among the groups gnomAD compares: East Asian, 0.6%; 4 homozygotes.

Submissions (2):

Mayo Clinic Laboratories, Mayo Clinic
Classification: Likely benign. Last evaluated: 2025-07-16. Review status: criteria provided, single submitter. Criteria: ACMG Guidelines, 2015. Collection method: clinical testing. Allele origin: germline. Observed: 1 variant allele.
Comment: BS1, BP4, BP7

PreventionGenetics, part of Exact Sciences
Classification: Likely benign for PKD1-related condition. Last evaluated: 2019-02-27. Review status: no assertion criteria provided. Collection method: clinical testing. Allele origin: germline. Not counted in ClinVar's aggregate classification.
Comment: This variant is classified as likely benign based on ACMG/AMP sequence variant interpretation guidelines (Richards et al. 2015 PMID: 25741868, with internal and published modifications).

Literature cited by the submitters: PubMed 11558899 (cited by Mayo Clinic Laboratories, Mayo Clinic).

NM_001009944.3(PKD1):c.12705C>T (p.Asp4235=)

Gene: PKD1 (polycystin 1, transient receptor potential channel interacting; minus strand). Cytogenetic location: 16p13.3.
Variant type: single nucleotide variant.
Coding change: c.12705C>T on transcript NM_001009944.3 (MANE Select); coding-DNA position 12705, C replaced by T.
Protein change: p.Asp4235=; no amino-acid change (aspartic acid 4235 retained).
Molecular consequence: synonymous variant.
Genome position (GRCh38, 1-based): chr16:2,089,934, G>A on the plus strand (C>T on the coding strand, the complement: PKD1 is on the minus strand). VCF-style: chr16-2089934-G-A. GRCh37 (hg19) VCF-style: chr16-2139935-G-A.
Other names: p.Asp4235=; c.12702C>T, p.Asp4234= (NM_000296.4).
Identifiers: ClinVar variation 3047803 (VCV003047803.3), dbSNP rs115272730, ClinGen allele CA7828495.